The following is an entry in ClinVar:

NM_001037333.3(CYFIP2):c.2421G>A (p.Thr807=)

Gene: CYFIP2 (cytoplasmic FMR1 interacting protein 2; plus strand). Cytogenetic location: 5q33.3.
Variant type: single nucleotide variant.
Coding change: c.2421G>A on transcript NM_001037333.3 (MANE Select); coding-DNA position 2421, G replaced by A.
Protein change: p.Thr807=; no amino-acid change (threonine 807 retained).
Molecular consequence: synonymous variant.
Genome position (GRCh38, 1-based): chr5:157,339,092, G>A. VCF-style: chr5-157339092-G-A. GRCh37 (hg19) VCF-style: chr5-156766100-G-A.
Other names: c.2343G>A, p.Thr781= (NM_001291721.2); c.2496G>A, p.Thr832= (NM_001291722.2); c.2421G>A, p.Thr807= (NM_014376.4); c.2496G>A (NM_001291722.1).
Identifiers: ClinVar variation 1584170 (VCV001584170.10), dbSNP rs369405267, ClinGen allele CA3533858.

ClinVar aggregate classification (germline): Likely benign. Review status: criteria provided, multiple submitters, no conflicts (2 of 4 stars). 3 submissions from 3 submitters: Likely benign (3). Last evaluated 2025-10-26.

Conditions:
CYFIP2-related disorder. Also called: CYFIP2-related condition.

Allele frequency attached by ClinVar (database versions not stated): ESP Exome Variant Server 0.00016.
gnomAD v4.1: 36 of 1,613,102 alleles (0.0022%); highest among the groups gnomAD compares: African/African-American, 0.0067%; no homozygotes.

Submissions (3):

Labcorp Genetics (formerly Invitae), Labcorp
Classification: Likely benign. Last evaluated: 2025-10-26. Review status: criteria provided, single submitter. Criteria: Invitae Variant Classification Sherloc (09022015). Collection method: clinical testing. Allele origin: germline.

PreventionGenetics, part of Exact Sciences
Classification: Likely benign for CYFIP2-related condition. Last evaluated: 2025-04-29. Review status: criteria provided, single submitter. Criteria: ACMG Guidelines, 2015. Collection method: clinical testing. Allele origin: germline.
Comment: This variant is classified as likely benign based on ACMG/AMP sequence variant interpretation guidelines (Richards et al. 2015 PMID: 25741868, with internal and published modifications).

Blueprint Genetics
Classification: Likely benign. Last evaluated: 2024-11-06. Review status: criteria provided, single submitter. Criteria: ACMG Guidelines, 2015. Collection method: clinical testing. Allele origin: germline.